The following is an entry in ClinVar:

ClinVar aggregate classification (germline): Likely pathogenic (1 of 4 stars; one submission).

Conditions:
PCNT-related disorder. Also called: PCNT-related condition.

gnomAD v4.1: 2 of 1,614,202 alleles (0.00012%); highest among the groups gnomAD compares: South Asian, 0.0011%; no homozygotes.

Submission:

PreventionGenetics, part of Exact Sciences
Classification: Likely pathogenic for PCNT-related condition. Last evaluated: 2026-08-06. Review status: criteria provided, single submitter. Criteria: ACMG Guidelines, 2015. Collection method: clinical testing. Allele origin: germline.
Comment: The PCNT c.8767C>T variant is predicted to result in premature protein termination (p.Gln2923*). To our knowledge, this variant has not been reported in the literature. This variant is reported in 0.0033% of alleles in individuals of South Asian descent in gnomAD. Nonsense variants in PCNT are expected to be pathogenic. This variant is interpreted as likely pathogenic.

NM_006031.6(PCNT):c.8767C>T (p.Gln2923Ter)

Gene: PCNT (pericentrin; plus strand). Cytogenetic location: 21q22.3.
Variant type: single nucleotide variant.
Coding change: c.8767C>T on transcript NM_006031.6 (MANE Select); coding-DNA position 8767, C replaced by T.
Protein change: p.Gln2923Ter; replaces glutamine 2923 with a stop codon.
Molecular consequence: nonsense.
Genome position (GRCh38, 1-based): chr21:46,435,919, C>T. VCF-style: chr21-46435919-C-T. GRCh37 (hg19) VCF-style: chr21-47855832-C-T.
Other names: c.8176C>T, p.Gln2726Ter (NM_001315529.2); short protein forms Q2726*, Q2923*.
Identifiers: ClinVar variation 4995641 (VCV004995641.1).